The following is an entry in ClinVar:

ClinVar aggregate classification (germline): Conflicting classifications of pathogenicity. Review status: criteria provided, conflicting classifications (1 of 4 stars). 6 submissions from 6 submitters: Uncertain significance (2); Benign (2); Likely benign (2). Last evaluated 2026-01-26.

Conditions:
Tuberous sclerosis 2 (TSC2). Identifiers: Orphanet 805, MedGen C1860707, MONDO:0013199, OMIM 613254.
Isolated focal cortical dysplasia type II (FCORD2). Also called: Focal cortical dysplasia type II; CORTICAL DYSPLASIA OF TAYLOR. Identifiers: Orphanet 268994, MedGen C1846385, MONDO:0011818, OMIM 607341, HP:0032051.
Lymphangiomyomatosis (LAM). Also called: Lymphangioleiomyomatosis; Lymphangioleiomyomatosis, somatic. Identifiers: Orphanet 538, MedGen C0751674, MONDO:0011705, OMIM 606690.
Hereditary cancer-predisposing syndrome. Also called: Neoplastic Syndromes, Hereditary; Tumor predisposition; Hereditary Cancer Syndrome; Hereditary neoplastic syndrome. Identifiers: Orphanet 140162, MedGen C0027672, MeSH D009386, MONDO:0015356.
Tuberous sclerosis syndrome (TSC). Also called: Tuberous Sclerosis Complex; Tuberous sclerosis. Identifiers: Orphanet 805, MedGen C0041341, MONDO:0001734.

Allele frequency attached by ClinVar (database versions not stated): gnomAD exomes below 0.00001 and 0.00002; ExAC 0.00002; TOPMed 0.00004.
gnomAD v4.1: 4 of 1,557,730 alleles (0.00026%); highest among the groups gnomAD compares: East Asian, 0.0095%; no homozygotes.

Submissions (6):

Labcorp Genetics (formerly Invitae), Labcorp
Classification: Benign for Tuberous sclerosis 2. Last evaluated: 2026-01-26. Review status: criteria provided, single submitter. Criteria: Invitae Variant Classification Sherloc (09022015). Collection method: clinical testing. Allele origin: germline.

Myriad Genetics, Inc.
Classification: Likely benign for Tuberous sclerosis 2. Last evaluated: 2024-08-12. Review status: criteria provided, single submitter. Criteria: Myriad Autosomal Dominant, Autosomal Recessive and X-Linked Classification Criteria (2023). Collection method: clinical testing. Allele origin: unknown.
Comment: This variant is considered likely benign. This variant has been observed at a population frequency that is significantly greater than expected given the associated disease prevalence and penetrance.

All of Us Research Program, National Institutes of Health
Classification: Likely benign for Tuberous sclerosis syndrome. Last evaluated: 2024-05-14. Review status: criteria provided, single submitter. Criteria: ACMG Guidelines, 2015. Collection method: clinical testing. Allele origin: germline. Inheritance: Autosomal dominant inheritance. Observed: 1 variant allele, 1 heterozygote.
Comment: This study involves interpretation of variants in research participants for the purpose of population health screening. Participant phenotype was not available at the time of variant classification. Additional details can be found in publication PMID: 35346344, PMCID: PMC8962531

Ambry Genetics
Classification: Benign for Hereditary cancer-predisposing syndrome. Last evaluated: 2023-05-18. Review status: criteria provided, single submitter. Criteria: Ambry Variant Classification Scheme 2023. Collection method: clinical testing. Allele origin: germline.

Fulgent Genetics
Classification: Uncertain significance for Lymphangiomyomatosis; Isolated focal cortical dysplasia type II; Tuberous sclerosis 2. Last evaluated: 2021-12-08. Review status: criteria provided, single submitter. Criteria: ACMG Guidelines, 2015. Collection method: clinical testing. Allele origin: unknown.

Genome-Nilou Lab
Classification: Uncertain significance for Tuberous sclerosis 2. Last evaluated: 2021-11-07. Review status: criteria provided, single submitter. Criteria: ACMG Guidelines, 2015. Collection method: clinical testing. Allele origin: germline. Affected: no.

NM_000548.5(TSC2):c.2012G>A (p.Gly671Asp)

Gene: TSC2 (TSC complex subunit 2; plus strand). Cytogenetic location: 16p13.3.
Variant type: single nucleotide variant.
Coding change: c.2012G>A on transcript NM_000548.5 (MANE Select); coding-DNA position 2012, G replaced by A.
Protein change: p.Gly671Asp; replaces glycine 671 with aspartic acid.
Molecular consequence: missense variant.
Genome position (GRCh38, 1-based): chr16:2,071,849, G>A. VCF-style: chr16-2071849-G-A. GRCh37 (hg19) VCF-style: chr16-2121850-G-A.
Other names: c.2012G>A, p.Gly671Asp (NM_001077183.3, NM_001114382.3, NM_001363528.2 and 3 more transcripts); c.1901G>A, p.Gly634Asp (NM_001318827.2); c.1865G>A, p.Gly622Asp (NM_001318829.2); c.1412G>A, p.Gly471Asp (NM_001318831.2); c.2045G>A, p.Gly682Asp (NM_001318832.2); short protein forms G671D, G471D, G622D, G634D, G682D.
Identifiers: ClinVar variation 535899 (VCV000535899.18), dbSNP rs775881847, ClinGen allele CA035599.
Genomic context (GRCh38, chr16:2,071,849, plus strand): 5'-CAGAGAGAGGCTCTGAGAAGAAGACCAGCGGCCCCCTTTCTCCTCCCACAGGGCCTCCTG[G>A]CCCGGCGCCTGCAGGCCCCGCCGTGCGGCTGGGGTCCGTGCCCTACTCCCTGCTCTTCCG-3'
Protein context (NP_000539.2, residues 661-681): GPLSPPTGPP[Gly671Asp]PAPAGPAVRL